The following is an entry in ClinVar:

NM_001379451.1(BCORL1):c.556G>A (p.Glu186Lys)

Gene: BCORL1 (BCL6 corepressor like 1; plus strand). Cytogenetic location: Xq26.1.
Variant type: single nucleotide variant.
Coding change: c.556G>A on transcript NM_001379451.1 (MANE Select); coding-DNA position 556, G replaced by A.
Protein change: p.Glu186Lys; replaces glutamic acid 186 with lysine.
Molecular consequence: missense variant.
Genome position (GRCh38, 1-based): chrX:130,013,328, G>A. VCF-style: chrX-130013328-G-A. GRCh37 (hg19) VCF-style: chrX-129147304-G-A.
Other names: c.556G>A, p.Glu186Lys (NM_001184772.3, NM_001379450.1, NM_021946.5); short protein forms E186K.
Identifiers: ClinVar variation 2503182 (VCV002503182.3), dbSNP rs2522647523, ClinGen allele CA414571354.
Genomic context (GRCh38, chrX:130,013,328, plus strand): 5'-CAAGGTGTTGGAGAGAAGAATACTTTCATTTTGGCAACTCTGGGAACTGGAGTCCCTGTG[G>A]AGGGGACCCTGCCCCTGGTTACCACTAACTTCAGTCCTCTGCCAGCCCCTATCTGTCCCC-3'
Protein context (NP_001366380.1, residues 176-196): LATLGTGVPV[Glu186Lys]GTLPLVTTNF

ClinVar aggregate classification (germline): Uncertain significance. Review status: criteria provided, multiple submitters, no conflicts (2 of 4 stars). 2 submissions from 2 submitters: Uncertain significance (2). Last evaluated 2025-12-16.

Allele frequency attached by ClinVar (database versions not stated): gnomAD exomes below 0.00001.
gnomAD v4.1: 5 of 1,211,879 alleles (0.00041%); highest among the groups gnomAD compares: Non-Finnish European, 0.00045%; no homozygotes.

Submissions (2):

Ambry Genetics
Classification: Uncertain significance. Last evaluated: 2025-12-16. Review status: criteria provided, single submitter. Criteria: Ambry Variant Classification Scheme 2023. Collection method: clinical testing. Allele origin: germline.

GeneDx
Classification: Uncertain significance. Last evaluated: 2025-09-29. Review status: criteria provided, single submitter. Criteria: GeneDx Variant Classification Process June 2021. Collection method: clinical testing. Allele origin: germline.
Comment: Not observed at significant frequency in large population cohorts (gnomAD); In silico analysis suggests that this missense variant does not alter protein structure/function; Has not been previously published as pathogenic or benign to our knowledge